The following is an entry in ClinVar:

NM_007294.4(BRCA1):c.2749_2752delinsTC (p.Ile917fs)

Gene: BRCA1 (BRCA1 DNA repair associated; minus strand). Cytogenetic location: 17q21.31.
Variant type: Indel.
Coding change: c.2749_2752delinsTC on transcript NM_007294.4 (MANE Select); coding-DNA positions 2749 to 2752, ATCA replaced by TC.
Protein change: p.Ile917fs; shifts the reading frame from isoleucine 917.
Molecular consequence: frameshift variant. On other transcripts: intron variant (137).
Genome position (GRCh38, 1-based): chr17:43,092,779-43,092,782, TGAT replaced by GA on the plus strand (ATCA replaced by TC on the coding strand, the reverse complement: BRCA1 is on the minus strand). VCF-style: chr17-43092779-TGAT-GA. GRCh37 (hg19) VCF-style: chr17-41244796-TGAT-GA.
Other names: c.2623_2626delinsTC, p.Ile875fs (NM_001407671.1, NM_001407672.1, NM_001407673.1 and 11 more transcripts); c.2626_2629delinsTC, p.Ile876fs (NM_001407674.1, NM_001407675.1, NM_001407676.1 and 19 more transcripts); c.2536_2539delinsTC, p.Ile846fs (NM_001407571.1, NM_001407853.1, NM_001407894.1 and 9 more transcripts); c.2749_2752delinsTC, p.Ile917fs (NM_001407581.1, NM_001407582.1, NM_001407583.1 and 30 more transcripts); c.2746_2749delinsTC, p.Ile916fs (NM_001407587.1, NM_001407590.1, NM_001407591.1 and 22 more transcripts); c.2740_2743delinsTC, p.Ile914fs (NM_001407646.1, NM_001407647.1); c.2671_2674delinsTC, p.Ile891fs (NM_001407653.1, NM_001407654.1, NM_001407655.1 and 4 more transcripts); c.2668_2671delinsTC, p.Ile890fs (NM_001407659.1, NM_001407660.1, NM_001407661.1 and 1 more transcripts); and 41 more; short protein forms I805fs, I828fs, I829fs, I847fs, I849fs, I850fs, I875fs, I917fs.
Identifiers: ClinVar variation 3148655 (VCV003148655.1), dbSNP rs2552184121, ClinGen allele CA2695225970.

ClinVar aggregate classification (germline): Pathogenic (1 of 4 stars; one submission).

Conditions:
Breast-ovarian cancer, familial, susceptibility to, 1 (BROVCA1). Also called: BRCA1 Hereditary Breast and Ovarian Cancer; OVARIAN CANCER, SUSCEPTIBILITY TO. Identifiers: Orphanet 145, MedGen C2676676, MONDO:0011450, OMIM 604370. Disease mechanism: loss of function.

Submission:

Myriad Genetics, Inc.
Classification: Pathogenic for Breast-ovarian cancer, familial, susceptibility to, 1. Last evaluated: 2023-12-21. Review status: criteria provided, single submitter. Criteria: Myriad Autosomal Dominant, Autosomal Recessive and X-Linked Classification Criteria (2023). Collection method: clinical testing. Allele origin: unknown.
Comment: This variant is considered pathogenic. This variant creates a frameshift predicted to result in premature protein truncation.